The following is an entry in ClinVar:

NM_006306.4(SMC1A):c.1495C>T (p.Arg499Ter)

Gene: SMC1A (structural maintenance of chromosomes 1A; minus strand). Cytogenetic location: Xp11.22.
Variant type: single nucleotide variant.
Coding change: c.1495C>T on transcript NM_006306.4 (MANE Select); coding-DNA position 1495, C replaced by T.
Protein change: p.Arg499Ter; replaces arginine 499 with a stop codon.
Molecular consequence: nonsense.
Genome position (GRCh38, 1-based): chrX:53,409,112, G>A on the plus strand (C>T on the coding strand, the complement: SMC1A is on the minus strand). VCF-style: chrX-53409112-G-A. GRCh37 (hg19) VCF-style: chrX-53436043-G-A.
Other names: c.1429C>T, p.Arg477Ter (NM_001281463.1); short protein forms R477*, R499*.
Identifiers: ClinVar variation 489224 (VCV000489224.38), dbSNP rs1556890135, ClinGen allele CA413255441.

ClinVar aggregate classification (germline): Pathogenic/Likely pathogenic. Review status: criteria provided, multiple submitters, no conflicts (2 of 4 stars). 5 submissions from 5 submitters: Pathogenic (4); Likely pathogenic (1). Last evaluated 2025-08-25.

Conditions:
SMC1A-related cohesinopathy.
Congenital muscular hypertrophy-cerebral syndrome (CDLS2). Also called: SMC1A-Related Cornelia de Lange Syndrome; Cornelia de Lange syndrome 2. Identifiers: Orphanet 199, MedGen C1802395, MONDO:0010370, OMIM 300590.

Submissions (5):

Daryl Scott Lab, Baylor College of Medicine
Classification: Pathogenic for Congenital muscular hypertrophy-cerebral syndrome. Last evaluated: 2025-08-25. Review status: criteria provided, single submitter. Criteria: ACMG Guidelines, 2015. Collection method: clinical testing. Allele origin: de novo. Affected: yes. Observed: 1 heterozygote.
Comment: PVS1, PS2, PM2

CeGaT Center for Human Genetics Tuebingen
Classification: Pathogenic. Last evaluated: 2024-02-01. Review status: criteria provided, single submitter. Criteria: CeGaT Center For Human Genetics Tuebingen Variant Classification Criteria Version 2. Collection method: clinical testing. Allele origin: germline. Affected: yes. Observed: 1 variant allele.
Comment: SMC1A: PVS1, PM2, PM6, PS4:Moderate

Labcorp Genetics (formerly Invitae), Labcorp
Classification: Pathogenic for Congenital muscular hypertrophy-cerebral syndrome. Last evaluated: 2023-05-30. Review status: criteria provided, single submitter. Criteria: Invitae Variant Classification Sherloc (09022015). Collection method: clinical testing. Allele origin: germline.
Comment: For these reasons, this variant has been classified as Pathogenic. ClinVar contains an entry for this variant (Variation ID: 489224). This premature translational stop signal has been observed in individual(s) with SMC1A-related conditions (PMID: 31098032, 31334757). In at least one individual the variant was observed to be de novo. This variant is not present in population databases (gnomAD no frequency). This sequence change creates a premature translational stop signal (p.Arg499*) in the SMC1A gene. It is expected to result in an absent or disrupted protein product. Loss-of-function variants in SMC1A are known to be pathogenic (PMID: 26386245, 27334371, 28166369, 28548707, 31334757).

Illumina Laboratory Services, Illumina
Classification: Pathogenic for SMC1A-related cohesinopathy. Last evaluated: 2019-05-01. Review status: criteria provided, single submitter. Criteria: ICSLVariantClassificationCriteria RUGD 01 April 2020. Collection method: clinical testing. Allele origin: unknown.
Comment: The SMC1A c.1495C>T (p.Arg499Ter) variant is a stop-gained variant that is predicted to result in an absent or truncated protein. A literature search was performed for the gene, cDNA change, and amino acid change. No publications were found based on this search. The p.Arg499Ter variant is not found in the Genome Aggregation Database despite being located in a region of good sequencing coverage. Based on the potential impact of stop-gained variants in relation to the known mechanism of disease and the variantâ€™s identification in a de novo state and its rarity, the p.Arg499Ter variant is classified as pathogenic for SMC1A-related cohesinopathy.

GeneDx
Classification: Likely pathogenic. Last evaluated: 2017-11-30. Review status: criteria provided, single submitter. Criteria: GeneDx Variant Classification (06012015). Collection method: clinical testing. Allele origin: germline. Affected: yes.
Comment: The R499X nonsense variant in the SMC1A gene is predicted to cause loss of normal protein function either through protein truncation or nonsense-mediated mRNA decay. The variant is not observed in large population cohorts (Lek et al., 2016).

Literature cited by the submitters: PubMed 31098032 (cited by Labcorp Genetics (formerly Invitae), Labcorp); PubMed 31334757 (cited by Labcorp Genetics (formerly Invitae), Labcorp); PubMed 26386245 (cited by Labcorp Genetics (formerly Invitae), Labcorp); PubMed 27334371 (cited by Labcorp Genetics (formerly Invitae), Labcorp); PubMed 28166369 (cited by Labcorp Genetics (formerly Invitae), Labcorp); PubMed 28548707 (cited by Labcorp Genetics (formerly Invitae), Labcorp).